The following is an entry in ClinVar:

NM_001381902.1(SAGE1):c.506C>T (p.Pro169Leu)

Genes: SAGE1 (sarcoma antigen 1; plus strand), LOC126863325 (CDK7 strongly-dependent group 2 enhancer GRCh37_chrX:134987035-134988234; plus strand). Cytogenetic location: Xq26.3.
Variant type: single nucleotide variant.
Coding change: c.506C>T on transcript NM_001381902.1 (MANE Select); coding-DNA position 506, C replaced by T.
Protein change: p.Pro169Leu; replaces proline 169 with leucine.
Molecular consequence: missense variant.
Genome position (GRCh38, 1-based): chrX:135,906,075, C>T. VCF-style: chrX-135906075-C-T. GRCh37 (hg19) VCF-style: chrX-134988234-C-T.
Other names: c.506C>T, p.Pro169Leu (NM_018666.3); short protein forms P169L.
Identifiers: ClinVar variation 4863748 (VCV004863748.1).

ClinVar aggregate classification (germline): Uncertain significance (1 of 4 stars; one submission).

gnomAD v4.1: 11 of 1,206,924 alleles (0.00091%); highest among the groups gnomAD compares: Non-Finnish European, 0.0011%; no homozygotes.

Submission:

Ambry Genetics
Classification: Uncertain significance. Last evaluated: 2026-04-15. Review status: criteria provided, single submitter. Criteria: Ambry Variant Classification Scheme 2023. Collection method: clinical testing. Allele origin: germline.
Comment: The c.506C>T (p.P169L) alteration is located in exon 6 (coding exon 5) of the SAGE1 gene. This alteration results from a C to T substitution at nucleotide position 506, causing the proline (P) at amino acid position 169 to be replaced by a leucine (L). Based on data from gnomAD, the T allele has an overall frequency of <0.001% (1/182332) total alleles studied. The highest observed frequency was 0.001% (1/81408) of European (non-Finnish) alleles. Based on insufficient or conflicting evidence, the clinical significance of this alteration remains unclear.